The following is an entry in ClinVar:

NM_145038.5(DRC1):c.46G>A (p.Glu16Lys)

Gene: DRC1 (dynein regulatory complex subunit 1; plus strand). Cytogenetic location: 2p23.3.
Variant type: single nucleotide variant.
Coding change: c.46G>A on transcript NM_145038.5 (MANE Select); coding-DNA position 46, G replaced by A.
Protein change: p.Glu16Lys; replaces glutamic acid 16 with lysine.
Molecular consequence: missense variant.
Genome position (GRCh38, 1-based): chr2:26,402,035, G>A. VCF-style: chr2-26402035-G-A. GRCh37 (hg19) VCF-style: chr2-26624903-G-A.
Other names: short protein forms E16K.
Identifiers: ClinVar variation 2715296 (VCV002715296.1), dbSNP rs149082901, ClinGen allele CA1561725.
Genomic context (GRCh38, chr2:26,402,035, plus strand): 5'-CCAGGGACTCCTGCCATGAATCCGCCGGGGTCCCTAGAGGCCCTGGACCCGAACGTGGAC[G>A]AGCACTTGTCCACCCAGATTCTCGCGCCCTCGGTCCACTCCGACAACTCTCAGGAGCGCA-3'
Protein context (NP_659475.2, residues 6-26): SLEALDPNVD[Glu16Lys]HLSTQILAPS

ClinVar aggregate classification (germline): Uncertain significance (1 of 4 stars; one submission).

Conditions:
Primary ciliary dyskinesia. Also called: Ciliary dyskinesia. Identifiers: Orphanet 244, MedGen C0008780, MONDO:0016575, HP:0012265.

Allele frequency attached by ClinVar (database versions not stated): gnomAD exomes 0.00001; ESP Exome Variant Server 0.00015.
gnomAD v4.1: 16 of 1,612,852 alleles (0.00099%); highest among the groups gnomAD compares: African/African-American, 0.017%; no homozygotes.

Submission:

Labcorp Genetics (formerly Invitae), Labcorp
Classification: Uncertain significance for Primary ciliary dyskinesia. Last evaluated: 2023-11-18. Review status: criteria provided, single submitter. Criteria: Invitae Variant Classification Sherloc (09022015). Collection method: clinical testing. Allele origin: germline.
Comment: This sequence change replaces glutamic acid, which is acidic and polar, with lysine, which is basic and polar, at codon 16 of the DRC1 protein (p.Glu16Lys). This variant is present in population databases (rs149082901, gnomAD 0.02%). This variant has not been reported in the literature in individuals affected with DRC1-related conditions. An algorithm developed to predict the effect of missense changes on protein structure and function (PolyPhen-2) suggests that this variant¬†is likely to be tolerated. In summary, the available evidence is currently insufficient to determine the role of this variant in disease. Therefore, it has been classified as a Variant of Uncertain Significance.